The following is an entry in ClinVar:

NM_000186.4(CFH):c.157C>T (p.Arg53Cys)

Gene: CFH (complement factor H; plus strand). Cytogenetic location: 1q31.3.
Variant type: single nucleotide variant.
Coding change: c.157C>T on transcript NM_000186.4 (MANE Select); coding-DNA position 157, C replaced by T.
Protein change: p.Arg53Cys; replaces arginine 53 with cysteine.
Molecular consequence: missense variant.
Genome position (GRCh38, 1-based): chr1:196,673,076, C>T. VCF-style: chr1-196673076-C-T. GRCh37 (hg19) VCF-style: chr1-196642206-C-T.
Other names: c.157C>T, p.Arg53Cys (NM_001014975.3); short protein forms R53C.
Identifiers: ClinVar variation 1068249 (VCV001068249.18), dbSNP rs757785149, ClinGen allele CA1304957.
Genomic context (GRCh38, chr1:196,673,076, plus strand): 5'-CTGACAGGTTCCTGGTCTGACCAAACATATCCAGAAGGCACCCAGGCTATCTATAAATGC[C>T]GCCCTGGATATAGATCTCTTGGAAATGTAATAATGGTATGCAGGAAGGGAGAATGGGTTG-3'
Protein context (NP_000177.2, residues 43-63): PEGTQAIYKC[Arg53Cys]PGYRSLGNVI

ClinVar aggregate classification (germline): Pathogenic/Likely pathogenic. Review status: criteria provided, multiple submitters, no conflicts (2 of 4 stars). 7 submissions from 7 submitters: Pathogenic (3); Likely pathogenic (4). Last evaluated 2026-09-17.

Conditions:
Hemolytic uremic syndrome, atypical, susceptibility to, 1. Also called: AHUS, SUSCEPTIBILITY TO, 1. Identifiers: Orphanet 2134, Orphanet 90038, MedGen C2749604, MONDO:0009335, OMIM 235400. Disease mechanism: Other.
Factor H deficiency (CFHD). Also called: COMPLEMENT FACTOR H DEFICIENCY; CFH DEFICIENCY. Identifiers: Orphanet 200421, MedGen C0398777, MONDO:0012350, OMIM 609814.
Atypical hemolytic-uremic syndrome. Identifiers: Orphanet 2134, MedGen C2931788, MONDO:0016244.
Age related macular degeneration 4. Identifiers: MedGen C1853147, MONDO:0012540, OMIM 610698.
CFH-related disorder. Also called: CFH-related condition; CFH-related disorders.
Basal laminar drusen. Also called: DRUSEN OF BRUCH MEMBRANE; DRUSEN, CUTICULAR; DRUSEN, EARLY ADULT-ONSET, GROUPED. Identifiers: Orphanet 75376, MedGen C0730295, MONDO:0007472, OMIM 126700.

Allele frequency attached by ClinVar (database versions not stated): gnomAD 0.00001; TOPMed 0.00001; ExAC 0.00002; gnomAD exomes 0.00002.
gnomAD v4.1: 19 of 1,613,678 alleles (0.0012%); highest among the groups gnomAD compares: South Asian, 0.0044%; no homozygotes.

Submissions (7):

Genomenon, Inc
Classification: Pathogenic for Age related macular degeneration 4; Atypical hemolytic-uremic syndrome; Factor H deficiency. Last evaluated: 2026-09-17. Review status: criteria provided, single submitter. Criteria: Genomenon Sequence Variant Interpretation Standards - Updated. Collection method: curation. Allele origin: germline. Affected: yes.
Comment: CFH p.Arg53Cys (c.157C>T) is a missense variant that changes the amino acid at codon 53 from arginine to cysteine. This variant has been observed in at least one proband affected with a CFH-related disorder (PMID: 24847005; 26501415; 29500241; 35925583; 22456601; 28941939; 20203157; 26826462; 23884270; 29046944). The variant was found to segregate with disease in at least one affected family (PMID: 24847005). At least one functional study has demonstrated a substantial alteration in protein function relative to the wild-type (PMID: 24847005; 28941939). It is absent or not present at a significant frequency in gnomAD. In conclusion, we classify CFH p.Arg53Cys (c.157C>T) as a pathogenic variant.

Dasa
Classification: Likely pathogenic. Last evaluated: 2026-01-14. Review status: criteria provided, single submitter. Criteria: DASA Assertion Criteria. Collection method: clinical testing. Allele origin: germline.
Comment: NM_000186.4(CFH):c.157C>T (p.Arg53Cys) is a missense variant that results in the substitution of arginine with cysteine. The affected residue or protein region has prior evidence supporting clinical relevance. Segregation data support an association with disease in the reported family/families (PMID: 20203157; PMID: 23307876; PMID: 25006455; PMID: 26826462; PMID: 22456601). Functional evidence supports an impact on the gene or gene product (PMID: 22456601; PMID: 21270465; PMID: 24847005). This variant has been recurrently observed in individuals with CFH-related disorders (PMID: 20203157; PMID: 23307876; PMID: 25006455; PMID: 26826462; PMID: 22456601). Also, this variant is rare in population databases. Based on the currently available evidence, this variant is classified as likely pathogenic.

Labcorp Genetics (formerly Invitae), Labcorp
Classification: Pathogenic. Last evaluated: 2025-11-25. Review status: criteria provided, single submitter. Criteria: Invitae Variant Classification Sherloc (09022015). Collection method: clinical testing. Allele origin: germline.
Comment: This sequence change replaces arginine, which is basic and polar, with cysteine, which is neutral and slightly polar, at codon 53 of the CFH protein (p.Arg53Cys). This variant is present in population databases (rs757785149, gnomAD 0.003%). This missense change has been observed in individuals with isolated glomerulonephritis with isolated C3 deposits and atypical hemolytic uremic syndrome and age-related macular degeneration (PMID: 20203157, 22456601, 23307876, 24847005, 25006455, 26826462). ClinVar contains an entry for this variant (Variation ID: 1068249). An algorithm developed to predict the effect of missense changes on protein structure and function (PolyPhen-2) suggests that this variant is likely to be disruptive. Experimental studies have shown that this missense change affects CFH function (PMID: 24847005). For these reasons, this variant has been classified as Pathogenic.

Blueprint Genetics
Classification: Likely pathogenic for CFH-related disorders. Last evaluated: 2024-04-10. Review status: criteria provided, single submitter. Criteria: ACMG Guidelines, 2015. Collection method: clinical testing. Allele origin: germline. Affected: yes. Observed: 2 variant alleles.

Fulgent Genetics
Classification: Likely pathogenic for Basal laminar drusen; Hemolytic uremic syndrome, atypical, susceptibility to, 1; Factor H deficiency; Age related macular degeneration 4. Last evaluated: 2024-01-02. Review status: criteria provided, single submitter. Criteria: ACMG Guidelines, 2015. Collection method: clinical testing. Allele origin: germline.

Genome-Nilou Lab
Classification: Likely pathogenic for Factor H deficiency. Last evaluated: 2023-04-11. Review status: criteria provided, single submitter. Criteria: ACMG Guidelines, 2015. Collection method: clinical testing. Allele origin: germline. Affected: no.

Institute of Human Genetics, University of Leipzig Medical Center
Classification: Pathogenic for Hemolytic uremic syndrome, atypical, susceptibility to, 1. Last evaluated: 2022-05-27. Review status: criteria provided, single submitter. Criteria: ACMG Guidelines, 2015. Collection method: clinical testing. Allele origin: unknown. Affected: yes.

Literature cited by the submitters: PubMed 24847005 (cited by 3 submitters); PubMed 26501415 (cited by Genomenon, Inc); PubMed 29500241 (cited by Genomenon, Inc); PubMed 35925583 (cited by Genomenon, Inc); PubMed 22456601 (cited by 3 submitters); PubMed 28941939 (cited by Genomenon, Inc); PubMed 20203157 (cited by 3 submitters); PubMed 26826462 (cited by 3 submitters); PubMed 23884270 (cited by Genomenon, Inc); PubMed 29046944 (cited by Genomenon, Inc); PubMed 21270465 (cited by Dasa); PubMed 23307876 (cited by Dasa and Labcorp Genetics (formerly Invitae), Labcorp); PubMed 25006455 (cited by Dasa and Labcorp Genetics (formerly Invitae), Labcorp).